The following is an entry in ClinVar:

NM_001142800.2(EYS):c.7645_7646del (p.Gln2549fs)

Gene: EYS (EGF-like photoreceptor maintenance factor; minus strand). Cytogenetic location: 6q12.
Variant type: Deletion.
Coding change: c.7645_7646del on transcript NM_001142800.2 (MANE Select); coding-DNA positions 7645 to 7646, 2 bases deleted (CA; older notation c.7645_7646delCA).
Protein change: p.Gln2549fs; shifts the reading frame from glutamine 2549.
Molecular consequence: frameshift variant.
Genome position (GRCh38, 1-based): chr6:63,788,182-63,788,183, TG deleted on the plus strand (CA on the coding strand, the reverse complement: EYS is on the minus strand). VCF-style (leftmost placement, unchanged base first): chr6-63788181-CTG-C. GRCh37 (hg19) VCF-style: chr6-64498074-CTG-C.
Other names: c.7645_7646del, p.Gln2549fs (NM_001292009.2); short protein forms Q2549fs.
Identifiers: ClinVar variation 1451195 (VCV001451195.6), dbSNP rs2149670368, ClinGen allele CA2573141111.

ClinVar aggregate classification (germline): Pathogenic (1 of 4 stars; one submission).

Submission:

Labcorp Genetics (formerly Invitae), Labcorp
Classification: Pathogenic. Last evaluated: 2023-09-08. Review status: criteria provided, single submitter. Criteria: Invitae Variant Classification Sherloc (09022015). Collection method: clinical testing. Allele origin: germline.
Comment: Algorithms developed to predict the effect of sequence changes on RNA splicing suggest that this variant may create or strengthen a splice site. This sequence change creates a premature translational stop signal (p.Gln2549Valfs*8) in the EYS gene. It is expected to result in an absent or disrupted protein product. Loss-of-function variants in EYS are known to be pathogenic (PMID: 18836446, 20333770). This variant is not present in population databases (gnomAD no frequency). This variant has not been reported in the literature in individuals affected with EYS-related conditions. ClinVar contains an entry for this variant (Variation ID: 1451195). For these reasons, this variant has been classified as Pathogenic.

Literature cited by the submitters: PubMed 18836446; PubMed 20333770.